The following is an entry in ClinVar:

ClinVar aggregate classification (germline): Likely benign. Review status: criteria provided, multiple submitters, no conflicts (2 of 4 stars). 3 submissions from 3 submitters: Likely benign (2). 1 of the submissions does not count toward it. Last evaluated 2025-12-08.

Conditions:
KIF5A-related disorder. Also called: KIF5A-related condition; KIF5A-related disorders.
Spastic paraplegia. Identifiers: MedGen C0037772, HP:0001258.

Allele frequency attached by ClinVar (database versions not stated): gnomAD 0.00001; TOPMed 0.00001; gnomAD exomes 0.00002 and 0.00003; ExAC 0.00003.
gnomAD v4.1: 28 of 1,614,046 alleles (0.0017%); highest among the groups gnomAD compares: Middle Eastern, 0.033%; no homozygotes.

Submissions (3):

Labcorp Genetics (formerly Invitae), Labcorp
Classification: Likely benign for Spastic paraplegia. Last evaluated: 2025-12-08. Review status: criteria provided, single submitter. Criteria: Invitae Variant Classification Sherloc (09022015). Collection method: clinical testing. Allele origin: germline.

Blueprint Genetics
Classification: Likely benign. Last evaluated: 2023-10-16. Review status: criteria provided, single submitter. Criteria: ACMG Guidelines, 2015. Collection method: clinical testing. Allele origin: germline.

PreventionGenetics, part of Exact Sciences
Classification: Likely benign for KIF5A-related condition. Last evaluated: 2022-12-09. Review status: no assertion criteria provided. Collection method: clinical testing. Allele origin: germline. Not counted in ClinVar's aggregate classification.
Comment: This variant is classified as likely benign based on ACMG/AMP sequence variant interpretation guidelines (Richards et al. 2015 PMID: 25741868, with internal and published modifications).

NM_004984.4(KIF5A):c.1251C>T (p.Tyr417=)

Gene: KIF5A (kinesin family member 5A; plus strand). Cytogenetic location: 12q13.3.
Variant type: single nucleotide variant.
Coding change: c.1251C>T on transcript NM_004984.4 (MANE Select); coding-DNA position 1251, C replaced by T.
Protein change: p.Tyr417=; no amino-acid change (tyrosine 417 retained).
Molecular consequence: synonymous variant.
Genome position (GRCh38, 1-based): chr12:57,570,120, C>T. VCF-style: chr12-57570120-C-T. GRCh37 (hg19) VCF-style: chr12-57963903-C-T.
Other names: c.984C>T, p.Tyr328= (NM_001354705.2); c.1251C>T (NM_004984.2).
Identifiers: ClinVar variation 1117402 (VCV001117402.12), dbSNP rs780256557, ClinGen allele CA6652799.
Genomic context (GRCh38, chr12:57,570,120, plus strand): 5'-CCCTGTGAATGACAACTCATCCATCGTGGTGCGCATCGCGCCCGAGGAGCGGCAGAAATA[C>T]GAGGAGGAGATCCGCCGTCTCTATAAGCAGCTTGACGACAAGGTGAGGGCGGCCAGGCAG-3'
Protein context (NP_004975.2, residues 407-427): VRIAPEERQK[Tyr417=]EEEIRRLYKQ